The following is an entry in ClinVar:

NM_000388.4(CASR):c.1109_1122del (p.Val370fs)

Gene: CASR (calcium sensing receptor; plus strand). Cytogenetic location: 3q21.1.
Variant type: Deletion.
Coding change: c.1109_1122del on transcript NM_000388.4 (MANE Select); coding-DNA positions 1109 to 1122, 14 bases deleted (TGGACACCTTTCTG).
Protein change: p.Val370fs; shifts the reading frame from valine 370.
Molecular consequence: frameshift variant.
Genome position (GRCh38, 1-based): chr3:122,262,144-122,262,157, TGGACACCTTTCTG deleted; deleting any 14 consecutive bases within chr3:122,262,141-122,262,157 gives the same sequence; the c. name uses the placement nearest the transcript's 3' end. VCF-style (leftmost placement, unchanged base first): chr3-122262140-CCTGTGGACACCTTT-C. GRCh37 (hg19) VCF-style: chr3-121980987-CCTGTGGACACCTTT-C.
Other names: c.1109_1122del, p.Val370fs (NM_001178065.2); short protein forms V370fs.
Identifiers: ClinVar variation 4785924 (VCV004785924.1).
Genomic context (GRCh38, chr3:122,262,140, plus strand): 5'-AAGGAGTTTTGGGAAGAAACATTTAACTGCCACCTCCAAGAAGGTGCAAAAGGACCTTTA[CCTGTGGACACCTTT>C]CTGAGAGGTCACGAAGAAAGTGGCGACAGGTTTAGCAACAGCTCGACAGCCTTCCGACCC-3'

ClinVar aggregate classification (germline): Pathogenic (1 of 4 stars; one submission).

Conditions:
Autosomal dominant hypocalcemia 1 (HYPOC1). Also called: HYPOCALCEMIA, FAMILIAL. Identifiers: MedGen C3715128, MONDO:0011013, OMIM 601198.
Familial hypocalciuric hypercalcemia (FHH). Also called: Familial benign hypercalcemia. Identifiers: Orphanet 405, MedGen C1809471, MONDO:0018458.

Submission:

Labcorp Genetics (formerly Invitae), Labcorp
Classification: Pathogenic for Familial hypocalciuric hypercalcemia; Autosomal dominant hypocalcemia 1. Last evaluated: 2025-08-20. Review status: criteria provided, single submitter. Criteria: Invitae Variant Classification Sherloc (09022015). Collection method: clinical testing. Allele origin: germline.
Comment: This sequence change creates a premature translational stop signal (p.Val370Glufs*11) in the CASR gene. It is expected to result in an absent or disrupted protein product. Loss-of-function variants in CASR are known to be pathogenic (PMID: 11807402, 14985373, 22422767). This variant is not present in population databases (gnomAD no frequency). This variant has not been reported in the literature in individuals affected with CASR-related conditions. For these reasons, this variant has been classified as Pathogenic.

Literature cited by the submitters: PubMed 11807402; PubMed 14985373; PubMed 22422767.